The following is an entry in ClinVar:

NM_133261.3(GIPC3):c.319C>A (p.Arg107=)

Gene: GIPC3 (GIPC PDZ domain containing family member 3; plus strand). Cytogenetic location: 19p13.3.
Variant type: single nucleotide variant.
Coding change: c.319C>A on transcript NM_133261.3 (MANE Select); coding-DNA position 319, C replaced by A.
Protein change: p.Arg107=; no amino-acid change (arginine 107 retained).
Molecular consequence: synonymous variant.
Genome position (GRCh38, 1-based): chr19:3,586,588, C>A. VCF-style: chr19-3586588-C-A. GRCh37 (hg19) VCF-style: chr19-3586586-C-A.
Identifiers: ClinVar variation 667114 (VCV000667114.10), dbSNP rs138707041, ClinGen allele CA9080372.
Genomic context (GRCh38, chr19:3,586,588, plus strand): 5'-GACATGCAGAAGCTCCTGGGGGGTCAGATAGGCCTGGAGGACTTCATCTTTGCCCACGTG[C>A]GAGGCGAGACCAAGGAGGTGGAGGTCACTAAGACAGAGGATGCTCTGGGGCTGACCATCA-3'
Protein context (NP_573568.1, residues 97-117): GLEDFIFAHV[Arg107=]GETKEVEVTK

ClinVar aggregate classification (germline): Likely benign. Review status: criteria provided, multiple submitters, no conflicts (2 of 4 stars). 3 submissions from 3 submitters: Likely benign (3). Last evaluated 2025-12-30.

Conditions:
GIPC3-related disorder. Also called: GIPC3-related condition.

Allele frequency attached by ClinVar (database versions not stated): ExAC 0.00011; TOPMed 0.00027; gnomAD 0.00032; ESP Exome Variant Server 0.00054.
gnomAD v4.1: 88 of 1,613,078 alleles (0.0055%); highest among the groups gnomAD compares: African/African-American, 0.11%; no homozygotes.

Submissions (4):

Labcorp Genetics (formerly Invitae), Labcorp
Classification: Likely benign. Last evaluated: 2025-12-30. Review status: criteria provided, single submitter. Criteria: Invitae Variant Classification Sherloc (09022015). Collection method: clinical testing. Allele origin: germline.

PreventionGenetics, part of Exact Sciences
Classification: Likely benign for GIPC3-related condition. Last evaluated: 2025-03-25. Review status: criteria provided, single submitter. Criteria: ACMG Guidelines, 2015. Collection method: clinical testing. Allele origin: germline.
Comment: This variant is classified as likely benign based on ACMG/AMP sequence variant interpretation guidelines (Richards et al. 2015 PMID: 25741868, with internal and published modifications).

Laboratory for Molecular Medicine, Mass General Brigham Personalized Medicine
Classification: Likely benign. Last evaluated: 2012-04-30. Review status: criteria provided, single submitter. Criteria: LMM Criteria. Collection method: clinical testing. Allele origin: germline. Observed: 1 variant allele.
Comment: Arg107Arg in Exon 02 of GIPC3: This variant is not expected to have clinical sig nificance because it does not alter an amino acid residue, is not located within the splice consensus sequence, and has been identified in 0.2% (6/3738) of Afri can American chromosomes from a broad population by the NHLBI Exome Sequencing P roject (dbSNP rs138707041).

Dr. Peter K. Rogan Lab, Western University
No classification provided (evidence only). Condition: Ovarian serous cystadenocarcinoma. Review status: no classification provided. Collection method: in vitro. Allele origin: not applicable. Functional consequence: retained intron. Not counted in ClinVar's aggregate classification.